The following is an entry in ClinVar:

ClinVar aggregate classification (germline): Uncertain significance (1 of 4 stars; one submission).

Allele frequency attached by ClinVar (database versions not stated): gnomAD 0.00001; TOPMed 0.00001; ExAC 0.00002; gnomAD exomes 0.00002; ESP Exome Variant Server 0.00008; 1000 Genomes Project 30x 0.00016; 1000 Genomes Project 0.00020.
gnomAD v4.1: 20 of 1,613,838 alleles (0.0012%); highest among the groups gnomAD compares: South Asian, 0.0033%; no homozygotes.

Submission:

Labcorp Genetics (formerly Invitae), Labcorp
Classification: Uncertain significance. Last evaluated: 2024-01-02. Review status: criteria provided, single submitter. Criteria: Invitae Variant Classification Sherloc (09022015). Collection method: clinical testing. Allele origin: germline.
Comment: This sequence change replaces arginine, which is basic and polar, with tryptophan, which is neutral and slightly polar, at codon 1024 of the TUBGCP6 protein (p.Arg1024Trp). This variant is present in population databases (rs147152051, gnomAD 0.006%). This variant has not been reported in the literature in individuals affected with TUBGCP6-related conditions. ClinVar contains an entry for this variant (Variation ID: 1025110). Algorithms developed to predict the effect of missense changes on protein structure and function output the following: SIFT: "Not Available"; PolyPhen-2: "Benign"; Align-GVGD: "Not Available". The tryptophan amino acid residue is found in multiple mammalian species, which suggests that this missense change does not adversely affect protein function. In summary, the available evidence is currently insufficient to determine the role of this variant in disease. Therefore, it has been classified as a Variant of Uncertain Significance.

NM_020461.4(TUBGCP6):c.3070C>T (p.Arg1024Trp)

Gene: TUBGCP6 (tubulin gamma complex component 6; minus strand). Cytogenetic location: 22q13.33.
Variant type: single nucleotide variant.
Coding change: c.3070C>T on transcript NM_020461.4 (MANE Select); coding-DNA position 3070, C replaced by T.
Protein change: p.Arg1024Trp; replaces arginine 1024 with tryptophan.
Molecular consequence: missense variant.
Genome position (GRCh38, 1-based): chr22:50,221,289, G>A on the plus strand (C>T on the coding strand, the complement: TUBGCP6 is on the minus strand). VCF-style: chr22-50221289-G-A. GRCh37 (hg19) VCF-style: chr22-50659718-G-A.
Other names: short protein forms R1024W.
Identifiers: ClinVar variation 1025110 (VCV001025110.5), dbSNP rs147152051, ClinGen allele CA10308060.
Genomic context (GRCh38, chr22:50,221,289, plus strand): 5'-CTATTTCAGAAGCGTAGTCCCCTGTGGGAAGACCACCCCCTGACACCTGCCCAAAGAGCC[G>A]CTCTGTGGGCTGGCTGCTCCCCTCCTCCAGAGCAGCACGCCTGGGTGGGTGTGAGGGGAG-3'
Protein context (NP_065194.3, residues 1014-1034): LEEGSSQPTE[Arg1024Trp]LFGQVSGGGL